The following is an entry in ClinVar:

ClinVar aggregate classification (germline): Uncertain significance (1 of 4 stars; one submission).

Allele frequency attached by ClinVar (database versions not stated): gnomAD exomes 0.00002; ExAC 0.00003; gnomAD 0.00009 and 0.00011; TOPMed 0.00009.
gnomAD v4.1: 33 of 1,613,492 alleles (0.002%); highest among the groups gnomAD compares: African/African-American, 0.027%; no homozygotes.

Submission:

Labcorp Genetics (formerly Invitae), Labcorp
Classification: Uncertain significance. Last evaluated: 2022-06-13. Review status: criteria provided, single submitter. Criteria: Invitae Variant Classification Sherloc (09022015). Collection method: clinical testing. Allele origin: germline.
Comment: In summary, the available evidence is currently insufficient to determine the role of this variant in disease. Therefore, it has been classified as a Variant of Uncertain Significance. Algorithms developed to predict the effect of missense changes on protein structure and function (SIFT, PolyPhen-2, Align-GVGD) all suggest that this variant is likely to be tolerated. This variant has not been reported in the literature in individuals affected with RGS9-related conditions. This variant is present in population databases (rs767306639, gnomAD 0.03%). This sequence change replaces arginine, which is basic and polar, with glutamine, which is neutral and polar, at codon 516 of the RGS9 protein (p.Arg516Gln).

NM_003835.4(RGS9):c.1547G>A (p.Arg516Gln)

Gene: RGS9 (regulator of G protein signaling 9; plus strand). Cytogenetic location: 17q24.1.
Variant type: single nucleotide variant.
Coding change: c.1547G>A on transcript NM_003835.4 (MANE Select); coding-DNA position 1547, G replaced by A.
Protein change: p.Arg516Gln; replaces arginine 516 with glutamine.
Molecular consequence: missense variant.
Genome position (GRCh38, 1-based): chr17:65,225,141, G>A. VCF-style: chr17-65225141-G-A. GRCh37 (hg19) VCF-style: chr17-63221259-G-A.
Other names: c.1538G>A, p.Arg513Gln (NM_001081955.3); short protein forms R513Q, R516Q.
Identifiers: ClinVar variation 1519061 (VCV001519061.6), dbSNP rs767306639, ClinGen allele CA8718091.
Genomic context (GRCh38, chr17:65,225,141, plus strand): 5'-TCTCCTCCTCCTGCCGCTCCCCCAGGAAGCCTTTCGCCTCACCCAGCCGCTTCATCCGGC[G>A]ACCCAGCACCACCATCTGCCCCTCACCCATCAGAGTGGCCTTGGAGAGCTCATCGGGCTT-3'
Protein context (NP_003826.2, residues 506-526): PFASPSRFIR[Arg516Gln]PSTTICPSPI